The following is an entry in ClinVar:

NM_031889.3(ENAM):c.584G>C (p.Gly195Ala)

Gene: ENAM (enamelin; plus strand). Cytogenetic location: 4q13.3.
Variant type: single nucleotide variant.
Coding change: c.584G>C on transcript NM_031889.3 (MANE Select); coding-DNA position 584, G replaced by C.
Protein change: p.Gly195Ala; replaces glycine 195 with alanine.
Molecular consequence: missense variant. On other transcripts: 5 prime UTR variant (1).
Genome position (GRCh38, 1-based): chr4:70,637,839, G>C. VCF-style: chr4-70637839-G-C. GRCh37 (hg19) VCF-style: chr4-71503556-G-C.
Other names: c.-71G>C (NM_001368133.1); short protein forms G195A.
Identifiers: ClinVar variation 4074497 (VCV004074497.1).
Genomic context (GRCh38, chr4:70,637,839, plus strand): 5'-TCACTTCTCAGAGGTTACCACCACCAGGTTATGGACGCCCACCAATCAGCAATGAAGAAG[G>C]GGGGGTAAGTACAAGTAAAACTACATTCTCCACTAGAAATTACAATCCATTCGCCCCTGC-3'
Protein context (NP_114095.2, residues 185-205): YGRPPISNEE[Gly195Ala]GNPYFGYFGY

ClinVar aggregate classification (germline): Uncertain significance (1 of 4 stars; one submission).

gnomAD v4.1: 62 of 1,611,212 alleles (0.0038%); highest among the groups gnomAD compares: Non-Finnish European, 0.0043%; no homozygotes.

Submission:

GeneDx
Classification: Uncertain significance. Last evaluated: 2025-02-07. Review status: criteria provided, single submitter. Criteria: GeneDx Variant Classification Process June 2021. Collection method: clinical testing. Allele origin: germline. Affected: yes.
Comment: In silico analysis indicates that this missense variant does not alter protein structure/function; Has not been previously published as pathogenic or benign to our knowledge